The following is an entry in ClinVar:

NM_017636.4(TRPM4):c.796+30_796+43dup

Gene: TRPM4 (transient receptor potential cation channel subfamily M member 4; plus strand). Cytogenetic location: 19q13.33.
Variant type: Duplication.
Coding change: c.796+30_796+43dup on transcript NM_017636.4 (MANE Select); bases 30 to 43 of the intron after coding-DNA position 796, 14 bases duplicated (CACGACCCACAACC).
Molecular consequence: intron variant.
Genome position (GRCh38, 1-based): chr19:49,168,766-49,168,779, CACGACCCACAACC duplicated; duplicating any 14 consecutive bases within chr19:49,168,755-49,168,779 gives the same sequence; the c. name uses the placement nearest the transcript's 3' end. VCF-style (leftmost placement, unchanged base first): chr19-49168754-T-TGACCCACAACCCAC. GRCh37 (hg19) VCF-style: chr19-49672011-T-TGACCCACAACCCAC.
Other names: c.796+30_796+43dup (NM_001195227.2); c.-758+30_-758+43dup (NM_001321282.2); c.451+30_451+43dup (NM_001321281.2); c.274+30_274+43dup (NM_001321283.2); c.-54+30_-54+43dup (NM_001321285.2).
Identifiers: ClinVar variation 3609298 (VCV003609298.2).

ClinVar aggregate classification (germline): Uncertain significance (1 of 4 stars; one submission).

Conditions:
Progressive familial heart block type IB (PFHB1B). Identifiers: Orphanet 871, MedGen C1970298, MONDO:0011474, OMIM 604559.

Submission:

Labcorp Genetics (formerly Invitae), Labcorp
Classification: Uncertain significance for Progressive familial heart block type IB. Last evaluated: 2025-02-06. Review status: criteria provided, single submitter. Criteria: Invitae Variant Classification Sherloc (09022015). Collection method: clinical testing. Allele origin: germline.
Comment: This sequence change falls in intron 6 of the TRPM4 gene. It does not directly change the encoded amino acid sequence of the TRPM4 protein. This variant is not present in population databases (gnomAD no frequency). This variant has not been reported in the literature in individuals affected with TRPM4-related conditions. Experimental studies and prediction algorithms are not available or were not evaluated, and the effect of this variant on mRNA splicing is currently unknown. In summary, the available evidence is currently insufficient to determine the role of this variant in disease. Therefore, it has been classified as a Variant of Uncertain Significance.